The following is an entry in ClinVar:

ClinVar aggregate classification (germline): Pathogenic. Review status: reviewed by expert panel (3 of 4 stars). 6 submissions from 6 submitters: Pathogenic (1). 5 of the submissions do not count toward it. Last evaluated 2025-11-19.

Conditions:
Congenital glaucoma. Identifiers: MedGen C0020302, MONDO:0020366.
CYP1B1-related glaucoma with or without anterior segment dysgenesis. Identifiers: MedGen CN375931, MONDO:0800472.
Anterior segment dysgenesis 6 (ASGD6). Also called: Anterior segment dysgenesis 6, multiple subtypes. Identifiers: MedGen C4310623, MONDO:0015016, OMIM 617315.
Glaucoma 3A. Also called: Glaucoma 3, primary congenital, A. Identifiers: Orphanet 98976, Orphanet 98977, MedGen C1856439, MONDO:0009277, OMIM 231300.

Allele frequency attached by ClinVar (database versions not stated): 1000 Genomes Project 30x 0.00016; 1000 Genomes Project 0.00020; ESP Exome Variant Server 0.00008; TOPMed 0.00008; gnomAD 0.00005.
gnomAD v4.1: 34 of 1,614,040 alleles (0.0021%); highest among the groups gnomAD compares: African/African-American, 0.0093%; no homozygotes.

Submissions (6):

ClinGen Glaucoma Variant Curation Expert Panel
Classification: Pathogenic for CYP1B1-related glaucoma with or without anterior segment dysgenesis. Last evaluated: 2025-11-19. Review status: reviewed by expert panel. Criteria: ClinGen CYP1B1 ACMG Specifications V1 Approved. Collection method: curation. Allele origin: germline. Inheritance: Autosomal recessive inheritance.
Comment: The c.1310C>T variant in CYP1B1 is a missense variant predicted to cause substitution of Proline by Leucine at amino acid 437 (p.Pro437Leu). The highest minor allele frequency of this variant was in the African/African American genetic ancestry group of gnomAD (v4.1.0) = 0.00009328 (7 alleles out of 75,040), which met the ≤ 0.0005 threshold set for PM2_Supporting in a genetic ancestry group of at least 2,000 alleles. The REVEL score = 0.924 , which was within the 0.773-0.931 range for PP3_Moderate, predicting a damaging effect on CYP1B1 function. A previous study (PMID: 12807732) demonstrated that the Pro437Leu protein had reduced Benzo[a]pyrene Activity levels compared to wild type CYP1B1 protein and met the OddsPath threshold for PS3_Supporting (> 2.1), indicating that this variant did impact protein function. This variant was also assessed in PMID: 27060699, however, the threshold for abnormal impact on protein function in the assays could not be determined. 3 affected segregations with a CYP1B1-related phenotype have been reported (PMIDs: 9497261, 30662834, 30820150), which fulfilled PP1_Strong. This variant has been identified in 7 individuals with a CYP1B1-related phenotype. 4 individuals are compound heterozygous for the variant and a pathogenic or likely pathogenic variant (2 confirmed in trans and 2 phase unknown) (PMIDs: 38990107, 19528825, 35170016, 30520782). 3 individuals are homozygous for the variant (2 consanguineous and 1 non-consanguineous) (PMIDs: 30662834, 30820150, 9497261). Total proband points = 4, meeting PM3_Very strong. There were more cases published than presented here. In summary, this variant met the criteria to receive a score of 16 and to be classified as pathogenic (pathogenic classification ≥ 10, adapted from PMID: 32720330) for CYP1B1-related glaucoma with or without anterior segment dysgenesis (ASD) based on the ACMG/AMP criteria met, as specified by the ClinGen Glaucoma VCEP (v1.0, 06.11.2025): PM3_Very-Strong, PP1_Strong, PP3_Moderate, PM2_Supporting, PS3_Supporting

Labcorp Genetics (formerly Invitae), Labcorp
Classification: Pathogenic for Congenital glaucoma. Last evaluated: 2025-08-18. Review status: criteria provided, single submitter. Criteria: Invitae Variant Classification Sherloc (09022015). Collection method: clinical testing. Allele origin: germline. Not counted in ClinVar's aggregate classification.
Comment: This sequence change replaces proline, which is neutral and non-polar, with leucine, which is neutral and non-polar, at codon 437 of the CYP1B1 protein (p.Pro437Leu). This variant is present in population databases (rs56175199, gnomAD 0.01%). This missense change has been observed in individual(s) with nonsyndromic primary congenital glaucoma (PMID: 9497261, 12036985, 19234632). It has also been observed to segregate with disease in related individuals. ClinVar contains an entry for this variant (Variation ID: 1254629). Invitae Evidence Modeling of protein sequence and biophysical properties (such as structural, functional, and spatial information, amino acid conservation, physicochemical variation, residue mobility, and thermodynamic stability) has been performed for this missense variant. However, the output from this modeling did not meet the statistical confidence thresholds required to predict the impact of this variant on CYP1B1 protein function. Experimental studies have shown that this missense change affects CYP1B1 function (PMID: 27060699). For these reasons, this variant has been classified as Pathogenic.

Fulgent Genetics
Classification: Likely pathogenic for Glaucoma 3A; Anterior segment dysgenesis 6. Last evaluated: 2024-05-29. Review status: criteria provided, single submitter. Criteria: ACMG Guidelines, 2015. Collection method: clinical testing. Allele origin: germline. Not counted in ClinVar's aggregate classification.

GeneDx
Classification: Likely pathogenic. Last evaluated: 2024-04-18. Review status: criteria provided, single submitter. Criteria: GeneDx Variant Classification Process June 2021. Collection method: clinical testing. Allele origin: germline. Affected: yes. Not counted in ClinVar's aggregate classification.
Comment: In vivo and in vitro functional studies demonstrated that the presence of the P437L variant results in a dramatic decrease in enzymatic activity in comparison to wild-type (PMID: 27060699, 12807732); In silico analysis supports that this missense variant has a deleterious effect on protein structure/function; This variant is associated with the following publications: (PMID: 25952714, 27268095, 15723004, 19204079, 9497261, 16735994, 12807732, 15475877, 22128238, 19528825, 20660114, 25978063, 34528698, 35170016, 27060699, 27535533)

Baylor Genetics
Classification: Pathogenic for Anterior segment dysgenesis 6. Last evaluated: 2024-02-20. Review status: criteria provided, single submitter. Criteria: ACMG Guidelines, 2015. Collection method: clinical testing. Allele origin: unknown. Not counted in ClinVar's aggregate classification.

Revvity Omics, Revvity
Classification: Pathogenic. Last evaluated: 2023-06-13. Review status: criteria provided, single submitter. Criteria: ACMG Guidelines, 2015. Collection method: clinical testing. Allele origin: germline. Not counted in ClinVar's aggregate classification.

Literature cited by the submitters: PubMed 9497261 (cited by Labcorp Genetics (formerly Invitae), Labcorp); PubMed 12036985 (cited by Labcorp Genetics (formerly Invitae), Labcorp); PubMed 19234632 (cited by Labcorp Genetics (formerly Invitae), Labcorp); PubMed 27060699 (cited by Labcorp Genetics (formerly Invitae), Labcorp).

NM_000104.4(CYP1B1):c.1310C>T (p.Pro437Leu)

Genes: CYP1B1 (cytochrome P450 family 1 subfamily B member 1; minus strand), LOC128772254 (melanoma risk locus-associated MPRA allelic enhancer 2:38298139; plus strand). Cytogenetic location: 2p22.2.
Variant type: single nucleotide variant.
Coding change: c.1310C>T on transcript NM_000104.4 (MANE Select); coding-DNA position 1310, C replaced by T.
Protein change: p.Pro437Leu; replaces proline 437 with leucine.
Molecular consequence: missense variant.
Genome position (GRCh38, 1-based): chr2:38,071,044, G>A on the plus strand (C>T on the coding strand, the complement: CYP1B1 is on the minus strand). VCF-style: chr2-38071044-G-A. GRCh37 (hg19) VCF-style: chr2-38298187-G-A.
Other names: NM_000104.4(CYP1B1):c.1310C>T; p.Pro437Leu; short protein forms P437L.
Identifiers: ClinVar variation 1254629 (VCV001254629.11), dbSNP rs56175199, ClinGen allele CA1619819.